The following is an entry in ClinVar:

ClinVar aggregate classification (germline): Uncertain significance (1 of 4 stars; one submission).

Submission:

Labcorp Genetics (formerly Invitae), Labcorp
Classification: Uncertain significance. Last evaluated: 2024-05-15. Review status: criteria provided, single submitter. Criteria: Invitae Variant Classification Sherloc (09022015). Collection method: clinical testing. Allele origin: germline.
Comment: This sequence change affects codon 374 of the POLD2 mRNA. It is a 'silent' change, meaning that it does not change the encoded amino acid sequence of the POLD2 protein. This variant is not present in population databases (gnomAD no frequency). This variant has not been reported in the literature in individuals affected with POLD2-related conditions. Algorithms developed to predict the effect of sequence changes on RNA splicing suggest that this variant may disrupt the consensus splice site. In summary, the available evidence is currently insufficient to determine the role of this variant in disease. Therefore, it has been classified as a Variant of Uncertain Significance.

NM_006230.4(POLD2):c.1017C>T (p.Val339=)

Gene: POLD2 (DNA polymerase delta 2, accessory subunit; minus strand). Cytogenetic location: 7p13.
Variant type: single nucleotide variant.
Coding change: c.1017C>T on transcript NM_006230.4 (MANE Select); coding-DNA position 1017, C replaced by T.
Protein change: p.Val339=; no amino-acid change (valine 339 retained).
Molecular consequence: synonymous variant.
Genome position (GRCh38, 1-based): chr7:44,116,117, G>A on the plus strand (C>T on the coding strand, the complement: POLD2 is on the minus strand). VCF-style: chr7-44116117-G-A. GRCh37 (hg19) VCF-style: chr7-44155716-G-A.
Other names: c.1017C>T, p.Val339= (NM_001127218.3, NM_001256879.2).
Identifiers: ClinVar variation 3683178 (VCV003683178.2).
Genomic context (GRCh38, chr7:44,116,117, plus strand): 5'-CTTTGTGCCTCCTGAGGCAAAAGGCTGGGTCAGACTGAAGTGTGGCTGTGCCAGCTACCT[G>A]ACTCCATCAATGGTGGCCTGGTAGGGGTTGGTGACCAGCTGGAGCGTGGAGTAGGCAGTG-3'
Protein context (NP_006221.3, residues 329-349): TNPYQATIDG[Val339=]RFLGTSGQNV